The following is an entry in ClinVar:

ClinVar aggregate classification (germline): Likely pathogenic. Review status: criteria provided, multiple submitters, no conflicts (2 of 4 stars). 2 submissions from 2 submitters: Likely pathogenic (2). Last evaluated 2018-11-22.

Conditions:
Intellectual developmental disorder, autosomal dominant 63, with macrocephaly. Also called: MENTAL RETARDATION, AUTOSOMAL DOMINANT 63, WITH MACROCEPHALY. Identifiers: MedGen C5394205, MONDO:0032939, OMIM 618825.
Intellectual developmental disorder, autosomal dominant 44, with microcephaly. Also called: Micrognathia-recurrent infections-behavioral abnormalities-mild intellectual disability syndrome; TRIO-Related Intellectual Disability. Identifiers: Orphanet 476126, MedGen C4310740, MONDO:0014892, OMIM 617061.

Submissions (2):

GeneDx
Classification: Likely pathogenic. Last evaluated: 2018-11-22. Review status: criteria provided, single submitter. Criteria: GeneDx Variant Classification (06012015). Collection method: clinical testing. Allele origin: germline. Affected: yes.
Comment: The c.7352_7356dupCCGGG variant in the TRIO gene has not been reported previously as a pathogenic variant nor as a benign variant, to our knowledge. The c.7352_7356dupCCGGG variant causes a frameshift starting with codon Alanine 2453, changes this amino acid to a Proline residue, and creates a premature Stop codon at position 7 of the new reading frame, denoted p.Ala2453ProfsX7. This variant is predicted to cause loss of normal protein function either through protein truncation or nonsense-mediated mRNA decay. The c.7352_7356dupCCGGG variant is not observed in large population cohorts (Lek et al., 2016). We interpret c.7352_7356dupCCGGG as a likely pathogenic variant.

Juno Genomics, Hangzhou Juno Genomics, Inc
Classification: Likely pathogenic for Intellectual developmental disorder, autosomal dominant 44, with microcephaly; Intellectual developmental disorder, autosomal dominant 63, with macrocephaly. Review status: criteria provided, single submitter. Criteria: ACMG Guidelines, 2015. Collection method: clinical testing. Allele origin: germline. Affected: yes.
Comment: Null variant in a gene where loss of function (LOF) is a known mechanism of disease.;Absent from controls (or at extremely low frequency if recessive) in Genome Aggregation Database.

NM_007118.4(TRIO):c.7352_7356dup (p.Ala2453fs)

Gene: TRIO (trio Rho guanine nucleotide exchange factor; plus strand). Cytogenetic location: 5p15.2.
Variant type: Microsatellite.
Coding change: c.7352_7356dup on transcript NM_007118.4 (MANE Select); coding-DNA positions 7352 to 7356, 5 bases duplicated (CCGGG; older notation c.7352_7356dupCCGGG).
Protein change: p.Ala2453fs; shifts the reading frame from alanine 2453.
Molecular consequence: frameshift variant.
Genome position (GRCh38, 1-based): chr5:14,487,980-14,487,984, CCGGG duplicated; duplicating any 5 consecutive bases within chr5:14,487,975-14,487,984 gives the same sequence; the c. name uses the placement nearest the transcript's 3' end. VCF-style (leftmost placement, unchanged base first): chr5-14487974-C-CCCGGG. GRCh37 (hg19) VCF-style: chr5-14488083-C-CCCGGG.
Other names: short protein forms A2453fs.
Identifiers: ClinVar variation 817310 (VCV000817310.2), dbSNP rs1579804792, ClinGen allele CA915943255.